The following is an entry in ClinVar:

NM_000179.3(MSH6):c.3311T>C (p.Phe1104Ser)

Gene: MSH6 (mutS homolog 6; plus strand). Cytogenetic location: 2p16.3.
Variant type: single nucleotide variant.
Coding change: c.3311T>C on transcript NM_000179.3 (MANE Select); coding-DNA position 3311, T replaced by C.
Protein change: p.Phe1104Ser; replaces phenylalanine 1104 with serine.
Molecular consequence: missense variant.
Genome position (GRCh38, 1-based): chr2:47,803,558, T>C. VCF-style: chr2-47803558-T-C. GRCh37 (hg19) VCF-style: chr2-48030697-T-C.
Other names: c.2921T>C, p.Phe974Ser (NM_001281492.2); c.2405T>C, p.Phe802Ser (NM_001281493.2, NM_001281494.2); short protein forms F1104S, F974S, F802S.
Identifiers: ClinVar variation 489999 (VCV000489999.13), dbSNP rs1553331534, ClinGen allele CA346758594.

ClinVar aggregate classification (germline): Uncertain significance. Review status: criteria provided, multiple submitters, no conflicts (2 of 4 stars). 3 submissions from 3 submitters: Uncertain significance (3). Last evaluated 2025-08-01.

Conditions:
Hereditary cancer-predisposing syndrome. Also called: Hereditary Cancer Syndrome; Neoplastic Syndromes, Hereditary; Tumor predisposition; Hereditary neoplastic syndrome. Identifiers: Orphanet 140162, MedGen C0027672, MeSH D009386, MONDO:0015356.
Hereditary nonpolyposis colorectal neoplasms. Identifiers: MedGen C0009405, MeSH D003123.

Allele frequency attached by ClinVar (database versions not stated): gnomAD exomes below 0.00001.
gnomAD v4.1: 2 of 1,614,130 alleles (0.00012%); highest among the groups gnomAD compares: Non-Finnish European, 0.00017%; no homozygotes.

Submissions (3):

Ambry Genetics
Classification: Uncertain significance for Hereditary cancer-predisposing syndrome. Last evaluated: 2025-08-01. Review status: criteria provided, single submitter. Criteria: Ambry Variant Classification Scheme 2023. Collection method: clinical testing. Allele origin: germline.
Comment: The p.F1104S variant (also known as c.3311T>C), located in coding exon 5 of the MSH6 gene, results from a T to C substitution at nucleotide position 3311. The phenylalanine at codon 1104 is replaced by serine, an amino acid with highly dissimilar properties. This amino acid position is conserved. In addition, this alteration is predicted to be deleterious by in silico analysis. Based on the available evidence, the clinical significance of this variant remains unclear.

Labcorp Genetics (formerly Invitae), Labcorp
Classification: Uncertain significance for Hereditary nonpolyposis colorectal neoplasms. Last evaluated: 2024-12-02. Review status: criteria provided, single submitter. Criteria: Invitae Variant Classification Sherloc (09022015). Collection method: clinical testing. Allele origin: germline.
Comment: This sequence change replaces phenylalanine, which is neutral and non-polar, with serine, which is neutral and polar, at codon 1104 of the MSH6 protein (p.Phe1104Ser). This variant is not present in population databases (gnomAD no frequency). This variant has not been reported in the literature in individuals affected with MSH6-related conditions. ClinVar contains an entry for this variant (Variation ID: 489999). Invitae Evidence Modeling of protein sequence and biophysical properties (such as structural, functional, and spatial information, amino acid conservation, physicochemical variation, residue mobility, and thermodynamic stability) indicates that this missense variant is not expected to disrupt MSH6 protein function with a negative predictive value of 95%. In summary, the available evidence is currently insufficient to determine the role of this variant in disease. Therefore, it has been classified as a Variant of Uncertain Significance.

Color Diagnostics, LLC DBA Color Health
Classification: Uncertain significance for Hereditary cancer-predisposing syndrome. Last evaluated: 2023-12-05. Review status: criteria provided, single submitter. Criteria: ACMG Guidelines, 2015. Collection method: clinical testing. Allele origin: germline.
Comment: This missense variant replaces phenylalanine with serine at codon 1104 of the MSH6 protein. Computational prediction is inconclusive regarding the impact of this variant on protein structure and function (internally defined REVEL score threshold 0.5 < inconclusive < 0.7, PMID: 27666373). To our knowledge, functional studies have not been reported for this variant. This variant has not been reported in individuals affected with MSH6-related disorders in the literature. This variant has not been identified in the general population by the Genome Aggregation Database (gnomAD). The available evidence is insufficient to determine the role of this variant in disease conclusively. Therefore, this variant is classified as a Variant of Uncertain Significance.